The following is an entry in ClinVar:

ClinVar aggregate classification (germline): Conflicting classifications of pathogenicity. Review status: criteria provided, conflicting classifications (1 of 4 stars). 3 submissions from 3 submitters: Uncertain significance (2); Likely benign (1). Last evaluated 2025-12-29.

Conditions:
Inborn genetic diseases. Identifiers: MedGen C0950123, MeSH D030342.

Submissions (3):

Labcorp Genetics (formerly Invitae), Labcorp
Classification: Uncertain significance. Last evaluated: 2025-12-29. Review status: criteria provided, single submitter. Criteria: Invitae Variant Classification Sherloc (09022015). Collection method: clinical testing. Allele origin: germline.
Comment: This sequence change replaces lysine, which is basic and polar, with arginine, which is basic and polar, at codon 1024 of the SAMD9 protein (p.Lys1024Arg). This variant is not present in population databases (gnomAD no frequency). This variant has not been reported in the literature in individuals affected with SAMD9-related conditions. ClinVar contains an entry for this variant (Variation ID: 3368451). Invitae Evidence Modeling of protein sequence and biophysical properties (such as structural, functional, and spatial information, amino acid conservation, physicochemical variation, residue mobility, and thermodynamic stability) indicates that this missense variant is not expected to disrupt SAMD9 protein function with a negative predictive value of 95%. This variant disrupts the p.Lys1024 amino acid residue in SAMD9. Other variant(s) that disrupt this residue have been determined to be pathogenic (PMID: 37195360). This suggests that this residue is clinically significant, and that variants that disrupt this residue are likely to be disease-causing. In summary, the available evidence is currently insufficient to determine the role of this variant in disease. Therefore, it has been classified as a Variant of Uncertain Significance.

Ambry Genetics
Classification: Likely benign for Inborn genetic diseases. Last evaluated: 2025-02-03. Review status: criteria provided, single submitter. Criteria: Ambry Variant Classification Scheme 2023. Collection method: clinical testing. Allele origin: germline.

GeneDx
Classification: Uncertain significance. Last evaluated: 2024-01-26. Review status: criteria provided, single submitter. Criteria: GeneDx Variant Classification Process June 2021. Collection method: clinical testing. Allele origin: germline. Affected: yes.
Comment: Not observed at significant frequency in large population cohorts (gnomAD); In silico analysis supports that this missense variant does not alter protein structure/function; Has not been previously published as pathogenic or benign to our knowledge; This variant is associated with the following publications: (PMID: 28545555)

Literature cited by the submitters: PubMed 37195360 (cited by Labcorp Genetics (formerly Invitae), Labcorp).

NM_017654.4(SAMD9):c.3071A>G (p.Lys1024Arg)

Gene: SAMD9 (sterile alpha motif domain containing 9; minus strand). Cytogenetic location: 7q21.2.
Variant type: single nucleotide variant.
Coding change: c.3071A>G on transcript NM_017654.4 (MANE Select); coding-DNA position 3071, A replaced by G.
Protein change: p.Lys1024Arg; replaces lysine 1024 with arginine.
Molecular consequence: missense variant.
Genome position (GRCh38, 1-based): chr7:93,103,027, T>C on the plus strand (A>G on the coding strand, the complement: SAMD9 is on the minus strand). VCF-style: chr7-93103027-T-C. GRCh37 (hg19) VCF-style: chr7-92732340-T-C.
Other names: c.3071A>G, p.Lys1024Arg (NM_001193307.2); short protein forms K1024R.
Identifiers: ClinVar variation 3368451 (VCV003368451.3).
Genomic context (GRCh38, chr7:93,103,027, plus strand): 5'-TCATGTTCATCGCGGTGTCTTGTGAGTAGGAGTGTGTGCATATCTTGCAAAAATTTACTT[T>C]TTCCCATACCAGTATCGAAGAACAAATTCTCAGTTAGCATATCCAACATAATTTGACTTT-3'
Protein context (NP_060124.2, residues 1014-1034): ENLFFDTGMG[Lys1024Arg]SKFLQDMHTL